The following is an entry in ClinVar:

NM_000037.4(ANK1):c.614C>T (p.Thr205Met)

Gene: ANK1 (ankyrin 1; minus strand). Cytogenetic location: 8p11.21.
Variant type: single nucleotide variant.
Coding change: c.614C>T on transcript NM_000037.4 (MANE Select); coding-DNA position 614, C replaced by T.
Protein change: p.Thr205Met; replaces threonine 205 with methionine.
Molecular consequence: missense variant.
Genome position (GRCh38, 1-based): chr8:41,724,553, G>A on the plus strand (C>T on the coding strand, the complement: ANK1 is on the minus strand). VCF-style: chr8-41724553-G-A. GRCh37 (hg19) VCF-style: chr8-41582071-G-A.
Other names: c.713C>T, p.Thr238Met (NM_001142446.2); c.614C>T, p.Thr205Met (NM_020475.3, NM_020476.3, NM_020477.3); short protein forms T205M, T238M.
Identifiers: ClinVar variation 3000903 (VCV003000903.3), dbSNP rs955802520, ClinGen allele CA175915955.

ClinVar aggregate classification (germline): Uncertain significance (1 of 4 stars; one submission).

Allele frequency attached by ClinVar (database versions not stated): gnomAD 0.00002; TOPMed 0.00002.
gnomAD v4.1: 20 of 1,588,872 alleles (0.0013%); highest among the groups gnomAD compares: Admixed American, 0.0035%; no homozygotes.

Submission:

Labcorp Genetics (formerly Invitae), Labcorp
Classification: Uncertain significance. Last evaluated: 2022-12-22. Review status: criteria provided, single submitter. Criteria: Invitae Variant Classification Sherloc (09022015). Collection method: clinical testing. Allele origin: germline.
Comment: The frequency data for this variant in the population databases is considered unreliable, as metrics indicate poor data quality at this position in the gnomAD database. This variant has not been reported in the literature in individuals affected with ANK1-related conditions. Algorithms developed to predict the effect of missense changes on protein structure and function (SIFT, PolyPhen-2, Align-GVGD) all suggest that this variant is likely to be disruptive. In summary, the available evidence is currently insufficient to determine the role of this variant in disease. Therefore, it has been classified as a Variant of Uncertain Significance. This sequence change replaces threonine, which is neutral and polar, with methionine, which is neutral and non-polar, at codon 205 of the ANK1 protein (p.Thr205Met).